The following is an entry in ClinVar:

NM_144596.4(TTC8):c.1084C>G (p.Leu362Val)

Gene: TTC8 (tetratricopeptide repeat domain 8; plus strand). Cytogenetic location: 14q31.3.
Variant type: single nucleotide variant.
Coding change: c.1084C>G on transcript NM_144596.4 (MANE Select); coding-DNA position 1084, C replaced by G.
Protein change: p.Leu362Val; replaces leucine 362 with valine.
Molecular consequence: missense variant. On other transcripts: non-coding transcript variant (1).
Genome position (GRCh38, 1-based): chr14:88,871,583, C>G. VCF-style: chr14-88871583-C-G. GRCh37 (hg19) VCF-style: chr14-89337927-C-G.
Other names: c.1132C>G, p.Leu378Val (NM_001288781.1); c.490C>G, p.Leu164Val (NM_001288782.1); c.367C>G, p.Leu123Val (NM_001288783.1); c.1054C>G, p.Leu352Val (NM_001366535.2, NM_198309.3); c.964C>G, p.Leu322Val (NM_001366536.2, NM_198310.3); c.1084C>G (NM_144596.3); short protein forms L164V, L123V, L322V, L362V, L378V, L352V.
Identifiers: ClinVar variation 1034613 (VCV001034613.9), dbSNP rs2094934211, ClinGen allele CA390551418.

ClinVar aggregate classification (germline): Uncertain significance. Review status: criteria provided, multiple submitters, no conflicts (2 of 4 stars). 2 submissions from 2 submitters: Uncertain significance (2). Last evaluated 2026-03-03.

Conditions:
Bardet-Biedl syndrome (BBS). Identifiers: Orphanet 110, MedGen C0752166, MONDO:0015229.
TTC8-related disorder. Also called: TTC8-related condition.

Submissions (2):

PreventionGenetics, part of Exact Sciences
Classification: Uncertain significance for TTC8-related condition. Last evaluated: 2026-03-03. Review status: criteria provided, single submitter. Criteria: ACMG Guidelines, 2015. Collection method: clinical testing. Allele origin: germline.
Comment: The TTC8 c.1084C>G variant is predicted to result in the amino acid substitution p.Leu362Val. To our knowledge, this variant has not been reported in the literature or in a large population database (gnomAD), indicating this variant is rare. At this time, the clinical significance of this variant is uncertain due to the absence of conclusive functional and genetic evidence.

Labcorp Genetics (formerly Invitae), Labcorp
Classification: Uncertain significance for Bardet-Biedl syndrome. Last evaluated: 2020-10-24. Review status: criteria provided, single submitter. Criteria: Invitae Variant Classification Sherloc (09022015). Collection method: clinical testing. Allele origin: germline.
Comment: This sequence change replaces leucine with valine at codon 352 of the TTC8 protein (p.Leu352Val). The leucine residue is highly conserved and there is a small physicochemical difference between leucine and valine. This variant is not present in population databases (ExAC no frequency). This variant has not been reported in the literature in individuals with TTC8-related conditions. Algorithms developed to predict the effect of missense changes on protein structure and function are either unavailable or do not agree on the potential impact of this missense change (SIFT: "Deleterious"; PolyPhen-2: "Possibly Damaging"; Align-GVGD: "Class C0"). Algorithms developed to predict the effect of sequence changes on RNA splicing suggest that this variant may create or strengthen a splice site, but this prediction has not been confirmed by published transcriptional studies. In summary, the available evidence is currently insufficient to determine the role of this variant in disease. Therefore, it has been classified as a Variant of Uncertain Significance.